The following is an entry in ClinVar:

ClinVar aggregate classification (germline): Pathogenic. Review status: reviewed by expert panel (3 of 4 stars). 5 submissions from 5 submitters: Pathogenic (1). 4 of the submissions do not count toward it. Last evaluated 2016-09-08.

Conditions:
BRCA1-related disorder. Also called: BRCA1-related condition.
Hereditary breast ovarian cancer syndrome. Also called: Hereditary breast and ovarian cancer syndrome (HBOC); Breast and ovarian cancer; Hereditary breast and ovarian cancer syndrome; Hereditary breast and ovarian cancer; BRCA1- and BRCA2-Associated Hereditary Breast and Ovarian Cancer; Hereditary breast and/or ovarian cancer syndrome. Identifiers: Orphanet 145, MedGen C0677776, MeSH D061325, MONDO:0003582. Disease mechanism: loss of function.
Breast-ovarian cancer, familial, susceptibility to, 1 (BROVCA1). Also called: BRCA1 Hereditary Breast and Ovarian Cancer; OVARIAN CANCER, SUSCEPTIBILITY TO. Identifiers: Orphanet 145, MedGen C2676676, MONDO:0011450, OMIM 604370. Disease mechanism: loss of function.

Submissions (5):

Evidence-based Network for the Interpretation of Germline Mutant Alleles (ENIGMA)
Classification: Pathogenic for Breast-ovarian cancer, familial, susceptibility to, 1. Last evaluated: 2016-09-08. Review status: reviewed by expert panel. Criteria: ENIGMA BRCA1/2 Classification Criteria (2015). Collection method: curation. Allele origin: germline.
Comment: Variant allele predicted to encode a truncated non-functional protein.

Labcorp Genetics (formerly Invitae), Labcorp
Classification: Pathogenic for Hereditary breast ovarian cancer syndrome. Last evaluated: 2021-11-26. Review status: criteria provided, single submitter. Criteria: Invitae Variant Classification Sherloc (09022015). Collection method: clinical testing. Allele origin: germline. Not counted in ClinVar's aggregate classification.
Comment: For these reasons, this variant has been classified as Pathogenic. ClinVar contains an entry for this variant (Variation ID: 254422). This sequence change creates a premature translational stop signal (p.Glu1001*) in the BRCA1 gene. It is expected to result in an absent or disrupted protein product. Loss-of-function variants in BRCA1 are known to be pathogenic (PMID: 20104584). This variant is not present in population databases (gnomAD no frequency). This premature translational stop signal has been observed in individual(s) with a personal and/or family history of BRCA1-related cancer(s) (PMID: 29446198).

Blueprint Genetics
Classification: Pathogenic for BRCA1-related disorders. Last evaluated: 2021-03-07. Review status: criteria provided, single submitter. Criteria: ACMG Guidelines, 2015. Collection method: clinical testing. Allele origin: germline. Affected: yes. Observed: 1 variant allele. Not counted in ClinVar's aggregate classification.

Consortium of Investigators of Modifiers of BRCA1/2 (CIMBA), c/o University of Cambridge
Classification: Pathogenic for Breast-ovarian cancer, familial, susceptibility to, 1. Last evaluated: 2015-10-02. Review status: criteria provided, single submitter. Criteria: CIMBA Mutation Classification guidelines May 2016. Collection method: clinical testing. Allele origin: germline. Not counted in ClinVar's aggregate classification.

Counsyl
Classification: Likely pathogenic for Breast-ovarian cancer, familial, susceptibility to, 1. Last evaluated: 2016-05-25. Review status: no assertion criteria provided. Collection method: clinical testing. Allele origin: unknown. Not counted in ClinVar's aggregate classification.

Literature cited by the submitters: PubMed 20104584 (cited by Labcorp Genetics (formerly Invitae), Labcorp); PubMed 29446198 (cited by Labcorp Genetics (formerly Invitae), Labcorp).

NM_007294.4(BRCA1):c.3001G>T (p.Glu1001Ter)

Gene: BRCA1 (BRCA1 DNA repair associated; minus strand). Cytogenetic location: 17q21.31.
Variant type: single nucleotide variant.
Coding change: c.3001G>T on transcript NM_007294.4 (MANE Select); coding-DNA position 3001, G replaced by T.
Protein change: p.Glu1001Ter; replaces glutamic acid 1001 with a stop codon.
Molecular consequence: nonsense. On other transcripts: intron variant (137).
Genome position (GRCh38, 1-based): chr17:43,092,530, C>A on the plus strand (G>T on the coding strand, the complement: BRCA1 is on the minus strand). VCF-style: chr17-43092530-C-A. GRCh37 (hg19) VCF-style: chr17-41244547-C-A.
Other names: c.2788G>T, p.Glu930Ter (NM_001407916.1, NM_001407917.1, NM_001407918.1 and 9 more transcripts); c.2878G>T, p.Glu960Ter (NM_001407919.1, NM_001407937.1, NM_001407938.1 and 19 more transcripts); c.2737G>T, p.Glu913Ter (NM_001407920.1, NM_001407921.1, NM_001407922.1 and 9 more transcripts); c.2734G>T, p.Glu912Ter (NM_001407936.1, NM_001407930.1, NM_001407931.1 and 2 more transcripts); c.2875G>T, p.Glu959Ter (NM_001407940.1, NM_001407941.1, NM_001407685.1 and 11 more transcripts); c.2860G>T, p.Glu954Ter (NM_001407942.1, NM_007297.4, NM_001407724.1 and 29 more transcripts); c.2857G>T, p.Glu953Ter (NM_001407943.1, NM_001407964.1, NM_001407743.1 and 20 more transcripts); c.2665G>T, p.Glu889Ter (NM_001407954.1, NM_001407955.1, NM_001407956.1 and 1 more transcripts); and 41 more; short protein forms E1001*, E954*, E874*, E912*, E930*, E933*, E934*, E974*.
Identifiers: ClinVar variation 254422 (VCV000254422.14), dbSNP rs886038007, ClinGen allele CA10586636.